The following is an entry in ClinVar:

NM_001034850.3(RETREG1):c.6G>C (p.Ala2=)

Genes: RETREG1 (reticulophagy regulator 1; minus strand), RETREG1-AS1 (RETREG1 antisense RNA 1; plus strand), LOC129993734 (ATAC-STARR-seq lymphoblastoid silent region 15947; plus strand). Cytogenetic location: 5p15.1.
Variant type: single nucleotide variant.
Coding change: c.6G>C on transcript NM_001034850.3 (MANE Select); coding-DNA position 6, G replaced by C.
Protein change: p.Ala2=; no amino-acid change (alanine 2 retained).
Molecular consequence: synonymous variant.
Genome position (GRCh38, 1-based): chr5:16,616,966, C>G on the plus strand (G>C on the coding strand, the complement: RETREG1 is on the minus strand). VCF-style: chr5-16616966-C-G. GRCh37 (hg19) VCF-style: chr5-16617075-C-G.
Identifiers: ClinVar variation 352698 (VCV000352698.23), dbSNP rs750740230, ClinGen allele CA3210553.

ClinVar aggregate classification (germline): Conflicting classifications of pathogenicity. Review status: criteria provided, conflicting classifications (1 of 4 stars). 7 submissions from 7 submitters: Uncertain significance (1); Likely benign (6). Last evaluated 2026-04-01.

Conditions:
RETREG1-related disorder. Also called: RETREG1-related condition.
Neuropathy, hereditary sensory and autonomic, type 2B (HSAN2B). Also called: RETREG1-Related HSAN2 (HSAN2B). Identifiers: Orphanet 970, MedGen C2751092, MONDO:0013142, OMIM 613115.
Inborn genetic diseases. Identifiers: MedGen C0950123, MeSH D030342.

Allele frequency attached by ClinVar (database versions not stated): ExAC 0.00030; gnomAD exomes 0.00034; TOPMed 0.00046; gnomAD 0.00049.
gnomAD v4.1: 921 of 1,429,166 alleles (0.064%); highest among the groups gnomAD compares: Non-Finnish European, 0.078%; no homozygotes.

Submissions (7):

CeGaT Center for Human Genetics Tuebingen
Classification: Likely benign. Last evaluated: 2026-04-01. Review status: criteria provided, single submitter. Criteria: CeGaT Center For Human Genetics Tuebingen Variant Classification Criteria Version 2. Collection method: clinical testing. Allele origin: germline. Affected: yes. Observed: 1 variant allele.
Comment: RETREG1: BP4, BP7

Labcorp Genetics (formerly Invitae), Labcorp
Classification: Likely benign. Last evaluated: 2026-02-02. Review status: criteria provided, single submitter. Criteria: Invitae Variant Classification Sherloc (09022015). Collection method: clinical testing. Allele origin: germline.

PreventionGenetics, part of Exact Sciences
Classification: Likely benign for RETREG1-related condition. Last evaluated: 2025-06-12. Review status: criteria provided, single submitter. Criteria: ACMG Guidelines, 2015. Collection method: clinical testing. Allele origin: germline.
Comment: This variant is classified as likely benign based on ACMG/AMP sequence variant interpretation guidelines (Richards et al. 2015 PMID: 25741868, with internal and published modifications).

Blueprint Genetics
Classification: Likely benign. Last evaluated: 2024-10-17. Review status: criteria provided, single submitter. Criteria: ACMG Guidelines, 2015. Collection method: clinical testing. Allele origin: germline.

GeneDx
Classification: Likely benign. Last evaluated: 2021-06-02. Review status: criteria provided, single submitter. Criteria: GeneDx Variant Classification Process June 2021. Collection method: clinical testing. Allele origin: germline. Affected: yes.

Ambry Genetics
Classification: Likely benign for Inborn genetic diseases. Last evaluated: 2019-07-11. Review status: criteria provided, single submitter. Criteria: Ambry Variant Classification Scheme 2023. Collection method: clinical testing. Allele origin: germline.

Illumina Laboratory Services, Illumina
Classification: Uncertain significance for Neuropathy, hereditary sensory and autonomic, type 2B. Last evaluated: 2018-01-13. Review status: criteria provided, single submitter. Criteria: ICSL Variant Classification Criteria 13 December 2019. Collection method: clinical testing. Allele origin: germline.